The following is an entry in ClinVar:

NM_006231.4(POLE):c.2917G>T (p.Val973Phe)

Gene: POLE (DNA polymerase epsilon, catalytic subunit; minus strand). Cytogenetic location: 12q24.33.
Variant type: single nucleotide variant.
Coding change: c.2917G>T on transcript NM_006231.4 (MANE Select); coding-DNA position 2917, G replaced by T.
Protein change: p.Val973Phe; replaces valine 973 with phenylalanine.
Molecular consequence: missense variant.
Genome position (GRCh38, 1-based): chr12:132,661,112, C>A on the plus strand (G>T on the coding strand, the complement: POLE is on the minus strand). VCF-style: chr12-132661112-C-A. GRCh37 (hg19) VCF-style: chr12-133237698-C-A.
Other names: short protein forms V973F.
Identifiers: ClinVar variation 570500 (VCV000570500.8), dbSNP rs764690414, ClinGen allele CA387392709.
Genomic context (GRCh38, chr12:132,661,112, plus strand): 5'-AGGCCTCAAACACCGAGGATTGGAAGATCTTAATCAGCTGCAGTTCCCCGCGGCGTTTGA[C>A]CTCAAAGCCCTTGAGCTCAGCCAGAGAACCGTCTTCATTGAACACAGCATACCTGAAAAA-3'
Protein context (NP_006222.2, residues 963-983): GSLAELKGFE[Val973Phe]KRRGELQLIK

ClinVar aggregate classification (germline): Uncertain significance (1 of 4 stars; one submission).

Submission:

Labcorp Genetics (formerly Invitae), Labcorp
Classification: Uncertain significance. Last evaluated: 2018-05-02. Review status: criteria provided, single submitter. Criteria: Invitae Variant Classification Sherloc (09022015). Collection method: clinical testing. Allele origin: germline.
Comment: In summary, the available evidence is currently insufficient to determine the role of this variant in disease. Therefore, it has been classified as a Variant of Uncertain Significance. Algorithms developed to predict the effect of missense changes on protein structure and function do not agree on the potential impact of this missense change (SIFT: "Deleterious"; PolyPhen-2: "Probably Damaging"; Align-GVGD: "Class C0"). This variant has not been reported in the literature in individuals with POLE-related disease. This variant is not present in population databases (ExAC no frequency). This sequence change replaces valine with phenylalanine at codon 973 of the POLE protein (p.Val973Phe). The valine residue is moderately conserved and there is a small physicochemical difference between valine and phenylalanine.